The following is an entry in ClinVar:

ClinVar aggregate classification (germline): Benign. Review status: criteria provided, single submitter (1 of 4 stars). 2 submissions from 2 submitters: Benign (1). 1 of the submissions does not count toward it. Last evaluated 2019-12-31.

Conditions:
DNAH7-related disorder. Also called: DNAH7-related condition.

Allele frequency attached by ClinVar (database versions not stated): gnomAD exomes 0.00015 and 0.00043; ExAC 0.00055; gnomAD 0.00192 and 0.00210; ESP Exome Variant Server 0.00210; TOPMed 0.00212; 1000 Genomes Project 30x 0.00219; 1000 Genomes Project 0.00240.
gnomAD v4.1: 523 of 1,613,274 alleles (0.032%); highest among the groups gnomAD compares: African/African-American, 0.64%; 1 homozygote.

Submissions (2):

Labcorp Genetics (formerly Invitae), Labcorp
Classification: Benign. Last evaluated: 2019-12-31. Review status: criteria provided, single submitter. Criteria: Invitae Variant Classification Sherloc (09022015). Collection method: clinical testing. Allele origin: germline.

PreventionGenetics, part of Exact Sciences
Classification: Likely benign for DNAH7-related condition. Last evaluated: 2019-11-08. Review status: no assertion criteria provided. Collection method: clinical testing. Allele origin: germline. Not counted in ClinVar's aggregate classification.
Comment: This variant is classified as likely benign based on ACMG/AMP sequence variant interpretation guidelines (Richards et al. 2015 PMID: 25741868, with internal and published modifications).

NM_018897.3(DNAH7):c.6117+8C>G

Gene: DNAH7 (dynein axonemal heavy chain 7; minus strand). Cytogenetic location: 2q32.3.
Variant type: single nucleotide variant.
Coding change: c.6117+8C>G on transcript NM_018897.3 (MANE Select); 8 bases into the intron after coding-DNA position 6117, C replaced by G.
Molecular consequence: intron variant.
Genome position (GRCh38, 1-based): chr2:195,876,536, G>C on the plus strand (C>G on the coding strand, the complement: DNAH7 is on the minus strand). VCF-style: chr2-195876536-G-C. GRCh37 (hg19) VCF-style: chr2-196741260-G-C.
Identifiers: ClinVar variation 775801 (VCV000775801.6), dbSNP rs185684587, ClinGen allele CA2035218.
Genomic context (GRCh38, chr2:195,876,536, plus strand): 5'-TTGGTTTCCTTGTTCCAACTGCAGCAATGTATATGAATAGGCCCGGGTACTGTACAAAGA[G>C]TCATTACCATTCTCTTGCCCAAAGGAGGACCAAAAACTCCCTTTCTTCTCTTGTCCAATT-3'